The following is an entry in ClinVar:

NM_005732.4(RAD50):c.254A>G (p.Gln85Arg)

Gene: RAD50 (RAD50 double strand break repair protein; plus strand). Cytogenetic location: 5q31.1.
Variant type: single nucleotide variant.
Coding change: c.254A>G on transcript NM_005732.4 (MANE Select); coding-DNA position 254, A replaced by G.
Protein change: p.Gln85Arg; replaces glutamine 85 with arginine.
Molecular consequence: missense variant.
Genome position (GRCh38, 1-based): chr5:132,575,817, A>G. VCF-style: chr5-132575817-A-G. GRCh37 (hg19) VCF-style: chr5-131911509-A-G.
Other names: short protein forms Q85R.
Identifiers: ClinVar variation 1792923 (VCV001792923.2), dbSNP rs2479608049, ClinGen allele CA360930525.

ClinVar aggregate classification (germline): Uncertain significance (1 of 4 stars; one submission).

Conditions:
Hereditary cancer-predisposing syndrome. Also called: Tumor predisposition; Hereditary Cancer Syndrome; Neoplastic Syndromes, Hereditary; Hereditary neoplastic syndrome. Identifiers: Orphanet 140162, MedGen C0027672, MeSH D009386, MONDO:0015356.

Submission:

Ambry Genetics
Classification: Uncertain significance for Hereditary cancer-predisposing syndrome. Last evaluated: 2020-09-28. Review status: criteria provided, single submitter. Criteria: Ambry Variant Classification Scheme 2023. Collection method: clinical testing. Allele origin: germline.
Comment: The p.Q85R variant (also known as c.254A>G), located in coding exon 3 of the RAD50 gene, results from an A to G substitution at nucleotide position 254. The glutamine at codon 85 is replaced by arginine, an amino acid with highly similar properties. This amino acid position is well conserved in available vertebrate species. In addition, this alteration is predicted to be tolerated by in silico analysis. Since supporting evidence is limited at this time, the clinical significance of this alteration remains unclear.